The following is an entry in ClinVar:

ClinVar aggregate classification (germline): Conflicting classifications of pathogenicity. Review status: criteria provided, conflicting classifications (1 of 4 stars). 2 submissions from 2 submitters: Uncertain significance (1); Likely benign (1). Last evaluated 2023-12-14.

Conditions:
Inborn genetic diseases. Identifiers: MedGen C0950123, MeSH D030342.

Allele frequency attached by ClinVar (database versions not stated): gnomAD 0.00003; ExAC 0.00002; gnomAD exomes 0.00002; ESP Exome Variant Server 0.00008; TOPMed 0.00003.
gnomAD v4.1: 27 of 1,612,648 alleles (0.0017%); highest among the groups gnomAD compares: Non-Finnish European, 0.0023%; no homozygotes.

Submissions (2):

Ambry Genetics
Classification: Uncertain significance for Inborn genetic diseases. Last evaluated: 2023-12-14. Review status: criteria provided, single submitter. Criteria: Ambry Variant Classification Scheme 2023. Collection method: clinical testing. Allele origin: germline.

GeneDx
Classification: Likely benign. Last evaluated: 2018-06-20. Review status: criteria provided, single submitter. Criteria: GeneDx Variant Classification (06012015). Collection method: clinical testing. Allele origin: germline. Affected: yes.
Comment: This variant is considered likely benign or benign based on one or more of the following criteria: it is a conservative change, it occurs at a poorly conserved position in the protein, it is predicted to be benign by multiple in silico algorithms, and/or has population frequency not consistent with disease.

NM_018136.5(ASPM):c.6606A>T (p.Arg2202Ser)

Gene: ASPM (assembly factor for spindle microtubules; minus strand). Cytogenetic location: 1q31.3.
Variant type: single nucleotide variant.
Coding change: c.6606A>T on transcript NM_018136.5 (MANE Select); coding-DNA position 6606, A replaced by T.
Protein change: p.Arg2202Ser; replaces arginine 2202 with serine.
Molecular consequence: missense variant. On other transcripts: intron variant (1).
Genome position (GRCh38, 1-based): chr1:197,102,645, T>A on the plus strand (A>T on the coding strand, the complement: ASPM is on the minus strand). VCF-style: chr1-197102645-T-A. GRCh37 (hg19) VCF-style: chr1-197071775-T-A.
Other names: c.4066-6481A>T (NM_001206846.2); short protein forms R2202S.
Identifiers: ClinVar variation 672229 (VCV000672229.2), dbSNP rs373173968, ClinGen allele CA1309561.